The following is an entry in ClinVar:

ClinVar aggregate classification (germline): Uncertain significance (1 of 4 stars; one submission).

Conditions:
MC4R-related disorder. Also called: MC4R-related condition.

gnomAD v4.1: 3 of 1,614,144 alleles (0.00019%); highest among the groups gnomAD compares: Non-Finnish European, 0.00025%; no homozygotes.

Submission:

PreventionGenetics, part of Exact Sciences
Classification: Uncertain significance for MC4R-related condition. Last evaluated: 2025-09-25. Review status: criteria provided, single submitter. Criteria: ACMG Guidelines, 2015. Collection method: clinical testing. Allele origin: germline.
Comment: The MC4R c.563C>T variant is predicted to result in the amino acid substitution p.Ser188Leu. This variant was reported in the heterozygous state in an individual with familial early-onset obesity; however, no additional studies confirmed its pathogenicity (Aykut et al. 2020. PubMed ID: 32185475). This variant is reported in 0.00088% of alleles in individuals of European (Non-Finnish) descent in gnomAD. At this time, the clinical significance of this variant is uncertain due to the absence of conclusive functional and genetic evidence.

NM_005912.3(MC4R):c.563C>T (p.Ser188Leu)

Gene: MC4R (melanocortin 4 receptor; minus strand). Cytogenetic location: 18q21.32.
Variant type: single nucleotide variant.
Coding change: c.563C>T on transcript NM_005912.3 (MANE Select); coding-DNA position 563, C replaced by T.
Protein change: p.Ser188Leu; replaces serine 188 with leucine.
Molecular consequence: missense variant.
Genome position (GRCh38, 1-based): chr18:60,371,787, G>A on the plus strand (C>T on the coding strand, the complement: MC4R is on the minus strand). VCF-style: chr18-60371787-G-A. GRCh37 (hg19) VCF-style: chr18-58039020-G-A.
Other names: short protein forms S188L.
Identifiers: ClinVar variation 3350943 (VCV003350943.2).